The following is an entry in ClinVar:

ClinVar aggregate classification (germline): Uncertain significance (1 of 4 stars; one submission).

Submission:

Women's Health and Genetics/Laboratory Corporation of America, LabCorp
Classification: Uncertain significance. Last evaluated: 2024-12-10. Review status: criteria provided, single submitter. Criteria: LabCorp Variant Classification Summary - May 2015. Collection method: clinical testing. Allele origin: germline.
Comment: Variant summary: HTT c.6316T>A (p.Ser2106Thr) results in a conservative amino acid change located in the Huntingtin, C-terminal HEAT domain (IPR048413) of the encoded protein sequence. Four of five in-silico tools predict a benign effect of the variant on protein function. The variant was absent in 249554 control chromosomes. The available data on variant occurrences in the general population are insufficient to allow any conclusion about variant significance. To our knowledge, no occurrence of c.6316T>A in individuals affected with Huntington Disease and no experimental evidence demonstrating its impact on protein function have been reported. No submitters have cited clinical-significance assessments for this variant to ClinVar. Based on the evidence outlined above, the variant was classified as uncertain significance.

NM_001388492.1(HTT):c.6316T>A (p.Ser2106Thr)

Gene: HTT (huntingtin; plus strand). Cytogenetic location: 4p16.3.
Variant type: single nucleotide variant.
Coding change: c.6316T>A on transcript NM_001388492.1 (MANE Select); coding-DNA position 6316, T replaced by A.
Protein change: p.Ser2106Thr; replaces serine 2106 with threonine.
Molecular consequence: missense variant.
Genome position (GRCh38, 1-based): chr4:3,209,851, T>A. VCF-style: chr4-3209851-T-A. GRCh37 (hg19) VCF-style: chr4-3211578-T-A.
Other names: c.6322T>A, p.Ser2108Thr (NM_002111.8); short protein forms S2106T, S2108T.
Identifiers: ClinVar variation 3768160 (VCV003768160.1).